The following is an entry in ClinVar:

NM_152564.5(VPS13B):c.10905T>C (p.Pro3635=)

Gene: VPS13B (vacuolar protein sorting 13 homolog B; plus strand). Cytogenetic location: 8q22.2.
Variant type: single nucleotide variant.
Coding change: c.10905T>C on transcript NM_152564.5 (MANE Select); coding-DNA position 10905, T replaced by C.
Protein change: p.Pro3635=; no amino-acid change (proline 3635 retained).
Molecular consequence: synonymous variant.
Genome position (GRCh38, 1-based): chr8:99,859,341, T>C. VCF-style: chr8-99859341-T-C. GRCh37 (hg19) VCF-style: chr8-100871569-T-C.
Other names: p.Pro3660=; c.10980T>C, p.Pro3660= (NM_017890.5).
Identifiers: ClinVar variation 95825 (VCV000095825.93), dbSNP rs61754107, ClinGen allele CA206621.

ClinVar aggregate classification (germline): Conflicting classifications of pathogenicity. Review status: criteria provided, conflicting classifications (1 of 4 stars). 12 submissions from 12 submitters: Uncertain significance (2); Likely benign (6). 4 of the submissions do not count toward it. Last evaluated 2026-02-01.

Conditions:
Inborn genetic diseases. Identifiers: MedGen C0950123, MeSH D030342.
Cohen syndrome (COH1). Also called: PEPPER SYNDROME; Cutis verticis gyrata, retinitis pigmentosa, and sensorineural deafness. Identifiers: Orphanet 193, MedGen C0265223, MONDO:0008999, OMIM 216550.

Allele frequency attached by ClinVar (database versions not stated): 1000 Genomes Project 0.00040; 1000 Genomes Project 30x 0.00047; gnomAD exomes 0.00076 and 0.00147; ExAC 0.00079; TOPMed 0.00087; gnomAD 0.00090 and 0.00091; ESP Exome Variant Server 0.00138.
gnomAD v4.1: 2,242 of 1,613,994 alleles (0.14%); highest among the groups gnomAD compares: Non-Finnish European, 0.18%; 2 homozygotes.

Submissions (12):

Labcorp Genetics (formerly Invitae), Labcorp
Classification: Likely benign for Cohen syndrome. Last evaluated: 2026-02-01. Review status: criteria provided, single submitter. Criteria: Invitae Variant Classification Sherloc (09022015). Collection method: clinical testing. Allele origin: germline.

CeGaT Center for Human Genetics Tuebingen
Classification: Likely benign. Last evaluated: 2025-12-01. Review status: criteria provided, single submitter. Criteria: CeGaT Center For Human Genetics Tuebingen Variant Classification Criteria Version 2. Collection method: clinical testing. Allele origin: germline. Affected: yes. Observed: 5 variant alleles.
Comment: VPS13B: BP4, BP7

Mayo Clinic Laboratories, Mayo Clinic
Classification: Likely benign. Last evaluated: 2025-04-08. Review status: criteria provided, single submitter. Criteria: ACMG Guidelines, 2015. Collection method: clinical testing. Allele origin: germline. Observed: 5 variant alleles.
Comment: BP4, BP7

Blueprint Genetics
Classification: Likely benign. Last evaluated: 2024-10-09. Review status: criteria provided, single submitter. Criteria: ACMG Guidelines, 2015. Collection method: clinical testing. Allele origin: germline.

Illumina Laboratory Services, Illumina
Classification: Uncertain significance for Cohen syndrome. Last evaluated: 2018-01-13. Review status: criteria provided, single submitter. Criteria: ICSL Variant Classification Criteria 13 December 2019. Collection method: clinical testing. Allele origin: germline.

Genetic Services Laboratory, University of Chicago
Classification: Likely benign. Last evaluated: 2017-10-20. Review status: criteria provided, single submitter. Criteria: ACMG Guidelines, 2015. Collection method: clinical testing. Allele origin: germline. Affected: no.

Ambry Genetics
Classification: Likely benign for Inborn genetic diseases. Last evaluated: 2017-05-31. Review status: criteria provided, single submitter. Criteria: Ambry Variant Classification Scheme 2023. Collection method: clinical testing. Allele origin: germline.

Eurofins Ntd Llc (ga)
Classification: Uncertain significance. Last evaluated: 2013-07-02. Review status: criteria provided, single submitter. Criteria: EGL Classification Definitions 2015. Collection method: clinical testing. Allele origin: germline. Observed: 2 variant alleles, 2 heterozygotes.

Natera, Inc.
Classification: Likely benign for Cohen syndrome. Last evaluated: 2020-09-16. Review status: no assertion criteria provided. Collection method: clinical testing. Allele origin: germline. Not counted in ClinVar's aggregate classification.

Clinical Genetics DNA and cytogenetics Diagnostics Lab, Erasmus MC, Erasmus Medical Center
Classification: Likely benign. Review status: no assertion criteria provided. Collection method: clinical testing. Allele origin: germline. Affected: yes. Study: VKGL Data-share Consensus. Not counted in ClinVar's aggregate classification.

Clinical Genetics, Academic Medical Center
Classification: Likely benign. Review status: no assertion criteria provided. Collection method: clinical testing. Allele origin: germline. Affected: yes. Study: VKGL Data-share Consensus. Not counted in ClinVar's aggregate classification.

Genome Diagnostics Laboratory, University Medical Center Utrecht
Classification: Likely benign. Review status: no assertion criteria provided. Collection method: clinical testing. Allele origin: germline. Affected: yes. Study: VKGL Data-share Consensus. Not counted in ClinVar's aggregate classification.